The following is an entry in ClinVar:

ClinVar aggregate classification (germline): Uncertain significance (1 of 4 stars; one submission).

Conditions:
Cognitive impairment - coarse facies - heart defects - obesity - pulmonary involvement - short stature - skeletal dysplasia syndrome. Also called: COGNITIVE IMPAIRMENT, COARSE FACIES, HEART DEFECTS, OBESITY, PULMONARY INVOLVEMENT, SHORT STATURE, AND SKELETAL DYSPLASIA; Chops syndrome; AFF4-Related CHOPS Syndrome. Identifiers: Orphanet 444077, MedGen C4085597, MONDO:0014609, OMIM 616368.

gnomAD v4.1: 1 of 1,613,992 alleles (0.000062%); highest among the groups gnomAD compares: Non-Finnish European, 0.000085%; no homozygotes.

Submission:

Labcorp Genetics (formerly Invitae), Labcorp
Classification: Uncertain significance for Cognitive impairment - coarse facies - heart defects - obesity - pulmonary involvement - short stature - skeletal dysplasia syndrome. Last evaluated: 2025-01-25. Review status: criteria provided, single submitter. Criteria: Invitae Variant Classification Sherloc (09022015). Collection method: clinical testing. Allele origin: germline.
Comment: This sequence change replaces isoleucine, which is neutral and non-polar, with threonine, which is neutral and polar, at codon 613 of the AFF4 protein (p.Ile613Thr). This variant is not present in population databases (gnomAD no frequency). This variant has not been reported in the literature in individuals affected with AFF4-related conditions. Invitae Evidence Modeling of protein sequence and biophysical properties (such as structural, functional, and spatial information, amino acid conservation, physicochemical variation, residue mobility, and thermodynamic stability) indicates that this missense variant is not expected to disrupt AFF4 protein function with a negative predictive value of 80%. In summary, the available evidence is currently insufficient to determine the role of this variant in disease. Therefore, it has been classified as a Variant of Uncertain Significance.

NM_014423.4(AFF4):c.1838T>C (p.Ile613Thr)

Gene: AFF4 (ALF transcription elongation factor 4; minus strand). Cytogenetic location: 5q31.1.
Variant type: single nucleotide variant.
Coding change: c.1838T>C on transcript NM_014423.4 (MANE Select); coding-DNA position 1838, T replaced by C.
Protein change: p.Ile613Thr; replaces isoleucine 613 with threonine.
Molecular consequence: missense variant.
Genome position (GRCh38, 1-based): chr5:132,896,792, A>G on the plus strand (T>C on the coding strand, the complement: AFF4 is on the minus strand). VCF-style: chr5-132896792-A-G. GRCh37 (hg19) VCF-style: chr5-132232484-A-G.
Other names: short protein forms I613T.
Identifiers: ClinVar variation 3714271 (VCV003714271.2).
Genomic context (GRCh38, chr5:132,896,792, plus strand): 5'-GTTGACTTATATTTCTTTTTCTCTGCTGTAGGTCGAGGGGAAGACTTAGACTCCTTCTTT[A>G]TATTGGGTTTCCTTGAGCCTTTGGTGGCTGCTTTGTGTCTGCTGGAGGGCATGCTGCTAG-3'
Protein context (NP_055238.1, residues 603-623): AATKGSRKPN[Ile613Thr]KKESKSSPRP